The following is an entry in ClinVar:

NM_003036.4(SKI):c.1247C>T (p.Ala416Val)

Gene: SKI (SKI proto-oncogene; plus strand). Cytogenetic location: 1p36.32.
Variant type: single nucleotide variant.
Coding change: c.1247C>T on transcript NM_003036.4 (MANE Select); coding-DNA position 1247, C replaced by T.
Protein change: p.Ala416Val; replaces alanine 416 with valine.
Molecular consequence: missense variant.
Genome position (GRCh38, 1-based): chr1:2,303,875, C>T. VCF-style: chr1-2303875-C-T. GRCh37 (hg19) VCF-style: chr1-2235314-C-T.
Other names: p.A416V:GCG>GTG; short protein forms A416V.
Identifiers: ClinVar variation 213693 (VCV000213693.13), dbSNP rs775044622, ClinGen allele CA322258.

ClinVar aggregate classification (germline): Uncertain significance. Review status: criteria provided, multiple submitters, no conflicts (2 of 4 stars). 3 submissions from 3 submitters: Uncertain significance (3). Last evaluated 2024-08-08.

Conditions:
Familial thoracic aortic aneurysm and aortic dissection (TAAD). Also called: Thoracic aortic aneurysms and dissections. Identifiers: Orphanet 91387, MedGen C4707243, MONDO:0019625.
Shprintzen-Goldberg syndrome (SGS). Also called: CRANIOSYNOSTOSIS WITH ARACHNODACTYLY AND ABDOMINAL HERNIAS; Marfanoid disorder with craniosynostosis type 1; Marfanoid craniosynostosis syndrome; Shprintzen-Goldberg marfanoid syndrome; SHPRINTZEN-GOLDBERG CRANIOSYNOSTOSIS SYNDROME. Identifiers: Orphanet 2462, MedGen C1321551, MONDO:0008426, OMIM 182212.

Allele frequency attached by ClinVar (database versions not stated): gnomAD 0.00001; TOPMed below 0.00001.

Submissions (3):

Labcorp Genetics (formerly Invitae), Labcorp
Classification: Uncertain significance for Shprintzen-Goldberg syndrome. Last evaluated: 2024-08-08. Review status: criteria provided, single submitter. Criteria: Invitae Variant Classification Sherloc (09022015). Collection method: clinical testing. Allele origin: germline.
Comment: This sequence change replaces alanine, which is neutral and non-polar, with valine, which is neutral and non-polar, at codon 416 of the SKI protein (p.Ala416Val). This variant is present in population databases (rs775044622, gnomAD 0.003%). This variant has not been reported in the literature in individuals affected with SKI-related conditions. ClinVar contains an entry for this variant (Variation ID: 213693). Advanced modeling of protein sequence and biophysical properties (such as structural, functional, and spatial information, amino acid conservation, physicochemical variation, residue mobility, and thermodynamic stability) has been performed at Invitae for this missense variant, however the output from this modeling did not meet the statistical confidence thresholds required to predict the impact of this variant on SKI protein function. In summary, the available evidence is currently insufficient to determine the role of this variant in disease. Therefore, it has been classified as a Variant of Uncertain Significance.

Ambry Genetics
Classification: Uncertain significance for Familial thoracic aortic aneurysm and aortic dissection. Last evaluated: 2023-09-13. Review status: criteria provided, single submitter. Criteria: Ambry Variant Classification Scheme 2023. Collection method: clinical testing. Allele origin: germline.
Comment: The p.A416V variant (also known as c.1247C>T), located in coding exon 4 of the SKI gene, results from a C to T substitution at nucleotide position 1247. The alanine at codon 416 is replaced by valine, an amino acid with similar properties. This amino acid position is highly conserved in available vertebrate species. In addition, this alteration is predicted to be deleterious by in silico analysis. Since supporting evidence is limited at this time, the clinical significance of this alteration remains unclear.

GeneDx
Classification: Uncertain significance. Last evaluated: 2017-05-02. Review status: criteria provided, single submitter. Criteria: GeneDx Variant Classification (06012015). Collection method: clinical testing. Allele origin: germline. Affected: yes.
Comment: p.Ala416Val (GCG>GTG): c.1247 C>T in exon 4 of the SKI gene (NM_003036.3) A variant of unknown significance has been identified in the SKI gene. The A416V variant has not been published as a mutation, nor has it been reported as a benign polymorphism to our knowledge. The A416V variant was not observed in approximately 6,400 individuals of European and African American ancestry in the NHLBI Exome Sequencing Project, indicating it is not a common benign variant in these populations. This substitution occurs at a position that is conserved across vertebrates. Moreover, in silico analysis predicts that this variant is likely damaging to the protein structure/function. Nevertheless, the A416V variant is a conservative amino acid substitution, which is not likely to impact secondary protein structure as these residues share similar properties. Furthermore, no missense mutations in nearby residues have been reported, indicating that this region of the protein may be tolerant of change. Therefore, based on the currently available information, it is unclear whether this variant is a pathogenic mutation or a rare benign variant. This variant was found in TAADV2-1